The following is an entry in ClinVar:

NM_021620.4(PRDM13):c.577A>G (p.Lys193Glu)

Gene: PRDM13 (PR/SET domain 13; plus strand). Cytogenetic location: 6q16.2.
Variant type: single nucleotide variant.
Coding change: c.577A>G on transcript NM_021620.4 (MANE Select); coding-DNA position 577, A replaced by G.
Protein change: p.Lys193Glu; replaces lysine 193 with glutamic acid.
Molecular consequence: missense variant.
Genome position (GRCh38, 1-based): chr6:99,613,212, A>G. VCF-style: chr6-99613212-A-G. GRCh37 (hg19) VCF-style: chr6-100061088-A-G.
Other names: short protein forms K193E.
Identifiers: ClinVar variation 4781918 (VCV004781918.1).

ClinVar aggregate classification (germline): Uncertain significance (1 of 4 stars; one submission).

gnomAD v4.1: 1 of 1,612,160 alleles (0.000062%); highest among the groups gnomAD compares: East Asian, 0.0022%; no homozygotes.

Submission:

Labcorp Genetics (formerly Invitae), Labcorp
Classification: Uncertain significance. Last evaluated: 2025-06-12. Review status: criteria provided, single submitter. Criteria: Invitae Variant Classification Sherloc (09022015). Collection method: clinical testing. Allele origin: germline.
Comment: This sequence change replaces lysine, which is basic and polar, with glutamic acid, which is acidic and polar, at codon 193 of the PRDM13 protein (p.Lys193Glu). This variant is present in population databases (no rsID available, gnomAD 0.006%). This variant has not been reported in the literature in individuals affected with PRDM13-related conditions. An algorithm developed to predict the effect of missense changes on protein structure and function (PolyPhen-2) suggests that this variant is likely to be disruptive. In summary, the available evidence is currently insufficient to determine the role of this variant in disease. Therefore, it has been classified as a Variant of Uncertain Significance.